The following is an entry in ClinVar:

ClinVar aggregate classification (germline): Benign/Likely benign. Review status: criteria provided, multiple submitters, no conflicts (2 of 4 stars). 3 submissions from 3 submitters: Benign (1); Likely benign (2). Last evaluated 2025-11-23.

Conditions:
Hereditary cancer-predisposing syndrome. Also called: Hereditary Cancer Syndrome; Hereditary neoplastic syndrome; Neoplastic Syndromes, Hereditary; Tumor predisposition. Identifiers: Orphanet 140162, MedGen C0027672, MeSH D009386, MONDO:0015356.
POLD1-related polyposis and colorectal cancer syndrome (CRCS10). Also called: Colorectal cancer, susceptibility to, 10; Colorectal cancer 10; COLORECTAL CANCER, SUSCEPTIBILITY TO, ON CHROMOSOME 19q. Identifiers: Orphanet 220460, MedGen C2675481, MONDO:0012953, OMIM 612591.

Allele frequency attached by ClinVar (database versions not stated): TOPMed below 0.00001; ExAC 0.00002; gnomAD exomes 0.00002 and 0.00003.
gnomAD v4.1: 12 of 1,601,414 alleles (0.00075%); highest among the groups gnomAD compares: East Asian, 0.025%; no homozygotes.

Submissions (3):

Labcorp Genetics (formerly Invitae), Labcorp
Classification: Likely benign for POLD1-related polyposis and colorectal cancer syndrome. Last evaluated: 2025-11-23. Review status: criteria provided, single submitter. Criteria: Invitae Variant Classification Sherloc (09022015). Collection method: clinical testing. Allele origin: germline.

Myriad Genetics, Inc.
Classification: Benign for POLD1-related polyposis and colorectal cancer syndrome. Last evaluated: 2025-02-05. Review status: criteria provided, single submitter. Criteria: Myriad Autosomal Dominant, Autosomal Recessive and X-Linked Classification Criteria (2023). Collection method: clinical testing. Allele origin: unknown.
Comment: This variant is considered benign. This variant is a silent/synonymous amino acid change and it is not expected to impact splicing.

Ambry Genetics
Classification: Likely benign for Hereditary cancer-predisposing syndrome. Last evaluated: 2019-11-01. Review status: criteria provided, single submitter. Criteria: Ambry Variant Classification Scheme 2023. Collection method: clinical testing. Allele origin: germline.

NM_002691.4(POLD1):c.909A>G (p.Pro303=)

Gene: POLD1 (DNA polymerase delta 1, catalytic subunit; plus strand). Cytogenetic location: 19q13.33.
Variant type: single nucleotide variant.
Coding change: c.909A>G on transcript NM_002691.4 (MANE Select); coding-DNA position 909, A replaced by G.
Protein change: p.Pro303=; no amino-acid change (proline 303 retained).
Molecular consequence: synonymous variant. On other transcripts: non-coding transcript variant (1).
Genome position (GRCh38, 1-based): chr19:50,402,680, A>G. VCF-style: chr19-50402680-A-G. GRCh37 (hg19) VCF-style: chr19-50905937-A-G.
Other names: c.909A>G, p.Pro303= (NM_001256849.1, NM_001308632.1).
Identifiers: ClinVar variation 771641 (VCV000771641.14), dbSNP rs764920696, ClinGen allele CA9595951.